The following is an entry in ClinVar:

NM_017636.4(TRPM4):c.3145A>G (p.Lys1049Glu)

Gene: TRPM4 (transient receptor potential cation channel subfamily M member 4; plus strand). Cytogenetic location: 19q13.33.
Variant type: single nucleotide variant.
Coding change: c.3145A>G on transcript NM_017636.4 (MANE Select); coding-DNA position 3145, A replaced by G.
Protein change: p.Lys1049Glu; replaces lysine 1049 with glutamic acid.
Molecular consequence: missense variant.
Genome position (GRCh38, 1-based): chr19:49,210,222, A>G. VCF-style: chr19-49210222-A-G. GRCh37 (hg19) VCF-style: chr19-49713479-A-G.
Other names: c.2710A>G, p.Lys904Glu (NM_001195227.2); c.2800A>G, p.Lys934Glu (NM_001321281.2); c.1537A>G, p.Lys513Glu (NM_001321282.2); c.2623A>G, p.Lys875Glu (NM_001321283.2); c.2083A>G, p.Lys695Glu (NM_001321285.2); short protein forms K875E, K904E, K934E, K513E, K1049E, K695E.
Identifiers: ClinVar variation 1437403 (VCV001437403.8), dbSNP rs748860590, ClinGen allele CA9569797.

ClinVar aggregate classification (germline): Uncertain significance (1 of 4 stars; one submission).

Conditions:
Progressive familial heart block type IB (PFHB1B). Identifiers: Orphanet 871, MedGen C1970298, MONDO:0011474, OMIM 604559.

Allele frequency attached by ClinVar (database versions not stated): ExAC 0.00001; gnomAD exomes 0.00001.
gnomAD v4.1: 4 of 1,614,232 alleles (0.00025%); highest among the groups gnomAD compares: Non-Finnish European, 0.00034%; no homozygotes.

Submission:

Labcorp Genetics (formerly Invitae), Labcorp
Classification: Uncertain significance for Progressive familial heart block type IB. Last evaluated: 2021-04-08. Review status: criteria provided, single submitter. Criteria: Invitae Variant Classification Sherloc (09022015). Collection method: clinical testing. Allele origin: germline.
Comment: This variant has not been reported in the literature in individuals with TRPM4-related conditions. This variant is present in population databases (rs748860590, ExAC 0.001%). This sequence change replaces lysine with glutamic acid at codon 1049 of the TRPM4 protein (p.Lys1049Glu). The lysine residue is moderately conserved and there is a small physicochemical difference between lysine and glutamic acid. Algorithms developed to predict the effect of missense changes on protein structure and function (SIFT, PolyPhen-2, Align-GVGD) all suggest that this variant is likely to be tolerated, but these predictions have not been confirmed by published functional studies and their clinical significance is uncertain. In summary, the available evidence is currently insufficient to determine the role of this variant in disease. Therefore, it has been classified as a Variant of Uncertain Significance.